The following is an entry in ClinVar:

NM_152296.5(ATP1A3):c.1821C>T (p.Thr607=)

Gene: ATP1A3 (ATPase Na+/K+ transporting subunit alpha 3; minus strand). Cytogenetic location: 19q13.2.
Variant type: single nucleotide variant.
Coding change: c.1821C>T on transcript NM_152296.5 (MANE Select); coding-DNA position 1821, C replaced by T.
Protein change: p.Thr607=; no amino-acid change (threonine 607 retained).
Molecular consequence: synonymous variant.
Genome position (GRCh38, 1-based): chr19:41,978,058, G>A on the plus strand (C>T on the coding strand, the complement: ATP1A3 is on the minus strand). VCF-style: chr19-41978058-G-A. GRCh37 (hg19) VCF-style: chr19-42482210-G-A.
Other names: c.1860C>T (NM_001256214.1); c.1854C>T, p.Thr618= (NM_001256213.2); c.1860C>T, p.Thr620= (NM_001256214.2).
Identifiers: ClinVar variation 705560 (VCV000705560.38), dbSNP rs782381694, ClinGen allele CA9467552.

ClinVar aggregate classification (germline): Likely benign. Review status: criteria provided, multiple submitters, no conflicts (2 of 4 stars). 3 submissions from 3 submitters: Likely benign (2). 1 of the submissions does not count toward it. Last evaluated 2026-08-01.

Conditions:
ATP1A3-related disorder. Also called: ATP1A3-related disorders; ATP1A3-related condition. Identifiers: MedGen CN381097.
Dystonia 12 (DYT12). Also called: Rapid-Onset Dystonia-Parkinsonism (RDP); DYT-ATP1A3. Identifiers: Orphanet 71517, MedGen C1868681, MONDO:0007496, OMIM 128235.

Allele frequency attached by ClinVar (database versions not stated): gnomAD exomes 0.00002; gnomAD 0.00003 and 0.00004; TOPMed 0.00005.
gnomAD v4.1: 32 of 1,614,122 alleles (0.002%); highest among the groups gnomAD compares: Admixed American, 0.015%; no homozygotes.

Submissions (3):

CeGaT Center for Human Genetics Tuebingen
Classification: Likely benign. Last evaluated: 2026-08-01. Review status: criteria provided, single submitter. Criteria: CeGaT Center For Human Genetics Tuebingen Variant Classification Criteria Version 2. Collection method: clinical testing. Allele origin: germline. Affected: yes. Observed: 4 variant alleles.
Comment: ATP1A3: BP4, BP7

Labcorp Genetics (formerly Invitae), Labcorp
Classification: Likely benign for Dystonia 12. Last evaluated: 2026-02-01. Review status: criteria provided, single submitter. Criteria: Invitae Variant Classification Sherloc (09022015). Collection method: clinical testing. Allele origin: germline.

PreventionGenetics, part of Exact Sciences
Classification: Likely benign for ATP1A3-related condition. Last evaluated: 2024-01-02. Review status: no assertion criteria provided. Collection method: clinical testing. Allele origin: germline. Not counted in ClinVar's aggregate classification.
Comment: This variant is classified as likely benign based on ACMG/AMP sequence variant interpretation guidelines (Richards et al. 2015 PMID: 25741868, with internal and published modifications).